The following is an entry in ClinVar:

NM_000059.4(BRCA2):c.7720T>C (p.Trp2574Arg)

Gene: BRCA2 (BRCA2 DNA repair associated; plus strand). Cytogenetic location: 13q13.1.
Variant type: single nucleotide variant.
Coding change: c.7720T>C on transcript NM_000059.4 (MANE Select); coding-DNA position 7720, T replaced by C.
Protein change: p.Trp2574Arg; replaces tryptophan 2574 with arginine.
Molecular consequence: missense variant.
Genome position (GRCh38, 1-based): chr13:32,357,844, T>C. VCF-style: chr13-32357844-T-C. GRCh37 (hg19) VCF-style: chr13-32931981-T-C.
Other names: short protein forms W2574R.
Identifiers: ClinVar variation 185134 (VCV000185134.14), dbSNP rs755002206, ClinGen allele CA025246.

ClinVar aggregate classification (germline): Conflicting classifications of pathogenicity. Review status: criteria provided, conflicting classifications (1 of 4 stars). 2 submissions from 2 submitters: Uncertain significance (1); Likely benign (1). Last evaluated 2025-07-29.

Conditions:
Hereditary cancer-predisposing syndrome. Also called: Hereditary neoplastic syndrome; Neoplastic Syndromes, Hereditary; Tumor predisposition; Hereditary Cancer Syndrome. Identifiers: Orphanet 140162, MedGen C0027672, MeSH D009386, MONDO:0015356.
Hereditary breast ovarian cancer syndrome. Also called: Hereditary breast and ovarian cancer syndrome (HBOC); Breast and ovarian cancer; Hereditary breast and/or ovarian cancer syndrome; BRCA1- and BRCA2-Associated Hereditary Breast and Ovarian Cancer; Hereditary breast and ovarian cancer syndrome; Hereditary breast and ovarian cancer. Identifiers: Orphanet 145, MedGen C0677776, MeSH D061325, MONDO:0003582. Disease mechanism: loss of function.

Submissions (2):

Labcorp Genetics (formerly Invitae), Labcorp
Classification: Uncertain significance for Hereditary breast ovarian cancer syndrome. Last evaluated: 2025-07-29. Review status: criteria provided, single submitter. Criteria: Invitae Variant Classification Sherloc (09022015). Collection method: clinical testing. Allele origin: germline.
Comment: This sequence change replaces tryptophan, which is neutral and slightly polar, with arginine, which is basic and polar, at codon 2574 of the BRCA2 protein (p.Trp2574Arg). This variant is not present in population databases (gnomAD no frequency). This variant has not been reported in the literature in individuals affected with BRCA2-related conditions. ClinVar contains an entry for this variant (Variation ID: 185134). Invitae Evidence Modeling of protein sequence and biophysical properties (such as structural, functional, and spatial information, amino acid conservation, physicochemical variation, residue mobility, and thermodynamic stability) indicates that this missense variant is not expected to disrupt BRCA2 protein function with a negative predictive value of 95%. In summary, the available evidence is currently insufficient to determine the role of this variant in disease. Therefore, it has been classified as a Variant of Uncertain Significance.

Ambry Genetics
Classification: Likely benign for Hereditary cancer-predisposing syndrome. Last evaluated: 2025-05-05. Review status: criteria provided, single submitter. Criteria: Ambry Variant Classification Scheme 2023. Collection method: clinical testing. Allele origin: germline.